The following is an entry in ClinVar:

NM_001375524.1(TRRAP):c.2786C>T (p.Ser929Phe)

Gene: TRRAP (transformation/transcription domain associated protein; plus strand). Cytogenetic location: 7q22.1.
Variant type: single nucleotide variant.
Coding change: c.2786C>T on transcript NM_001375524.1 (MANE Select); coding-DNA position 2786, C replaced by T.
Protein change: p.Ser929Phe; replaces serine 929 with phenylalanine.
Molecular consequence: missense variant.
Genome position (GRCh38, 1-based): chr7:98,921,916, C>T. VCF-style: chr7-98921916-C-T. GRCh37 (hg19) VCF-style: chr7-98519539-C-T.
Other names: c.2786C>T, p.Ser929Phe (NM_001244580.2, NM_003496.4); short protein forms S929F.
Identifiers: ClinVar variation 2877231 (VCV002877231.3), dbSNP rs782366607, ClinGen allele CA4359832.

ClinVar aggregate classification (germline): Uncertain significance (1 of 4 stars; one submission).

Allele frequency attached by ClinVar (database versions not stated): gnomAD exomes below 0.00001; TOPMed 0.00001; ExAC 0.00003.
gnomAD v4.1: 5 of 1,614,210 alleles (0.00031%); highest among the groups gnomAD compares: Admixed American, 0.0067%; no homozygotes.

Submission:

Labcorp Genetics (formerly Invitae), Labcorp
Classification: Uncertain significance. Last evaluated: 2022-11-19. Review status: criteria provided, single submitter. Criteria: Invitae Variant Classification Sherloc (09022015). Collection method: clinical testing. Allele origin: germline.
Comment: In summary, the available evidence is currently insufficient to determine the role of this variant in disease. Therefore, it has been classified as a Variant of Uncertain Significance. Advanced modeling of protein sequence and biophysical properties (such as structural, functional, and spatial information, amino acid conservation, physicochemical variation, residue mobility, and thermodynamic stability) performed at Invitae indicates that this missense variant is not expected to disrupt TRRAP protein function. This variant has not been reported in the literature in individuals affected with TRRAP-related conditions. This variant is present in population databases (rs782366607, gnomAD 0.009%). This sequence change replaces serine, which is neutral and polar, with phenylalanine, which is neutral and non-polar, at codon 929 of the TRRAP protein (p.Ser929Phe).